The following is an entry in ClinVar:

ClinVar aggregate classification (germline): Uncertain significance. Review status: criteria provided, multiple submitters, no conflicts (2 of 4 stars). 2 submissions from 2 submitters: Uncertain significance (2). Last evaluated 2023-05-12.

Conditions:
DNMT3A-related disorder. Also called: DNMT3A-related disorders; DNMT3A-related condition.
Tatton-Brown-Rahman overgrowth syndrome. Also called: Tall stature-intellectual disability-facial dysmorphism syndrome; Tatton-Brown-Rahman syndrome. Identifiers: Orphanet 404443, MedGen C4014545, MONDO:0014382, OMIM 615879.

Submissions (2):

PreventionGenetics, part of Exact Sciences
Classification: Uncertain significance for DNMT3A-related condition. Last evaluated: 2023-05-12. Review status: criteria provided, single submitter. Criteria: ACMG Guidelines, 2015. Collection method: clinical testing. Allele origin: germline.
Comment: The DNMT3A c.2193_2195delCTT variant is predicted to result in an in-frame deletion (p.Phe732del). To our knowledge, this variant has not been reported in the literature. This variant is reported in 0.010% of alleles in individuals of Ashkenazi Jewish descent in gnomAD. At this time, the clinical significance of this variant is uncertain due to the absence of conclusive functional and genetic evidence.

Labcorp Genetics (formerly Invitae), Labcorp
Classification: Uncertain significance for Tatton-Brown-Rahman overgrowth syndrome. Last evaluated: 2023-04-17. Review status: criteria provided, single submitter. Criteria: Invitae Variant Classification Sherloc (09022015). Collection method: clinical testing. Allele origin: germline.
Comment: Experimental studies and prediction algorithms are not available or were not evaluated, and the functional significance of this variant is currently unknown. This variant has not been reported in the literature in individuals affected with DNMT3A-related conditions. The frequency data for this variant in the population databases is considered unreliable, as metrics indicate poor data quality at this position in the gnomAD database. This variant, c.2193_2195del, results in the deletion of 1 amino acid(s) of the DNMT3A protein (p.Phe732del), but otherwise preserves the integrity of the reading frame. In summary, the available evidence is currently insufficient to determine the role of this variant in disease. Therefore, it has been classified as a Variant of Uncertain Significance.

NM_022552.5(DNMT3A):c.2190CTT[1] (p.Phe732del)

Gene: DNMT3A (DNA methyltransferase 3 alpha; minus strand). Cytogenetic location: 2p23.3.
Variant type: Microsatellite.
Coding change: c.2190CTT[1] on transcript NM_022552.5 (MANE Select); one copy of the 3-base unit CTT starting at c.2190; the reference has two copies in a row; one copy, 3 bases deleted.
Protein change: p.Phe732del; deletes phenylalanine 732.
Molecular consequence: inframe deletion. On other transcripts: non-coding transcript variant (1).
Genome position (GRCh38, 1-based): chr2:25,240,429-25,240,431, AAG deleted on the plus strand (CTT on the coding strand, the reverse complement: DNMT3A is on the minus strand); deleting any 3 consecutive bases within chr2:25,240,429-25,240,435 gives the same sequence; the position shown is the placement nearest the transcript's 3' end. VCF-style (leftmost placement, unchanged base first): chr2-25240428-AAAG-A. GRCh37 (hg19) VCF-style: chr2-25463297-AAAG-A.
Other names: c.1623CTT[1], p.Phe543del (NM_153759.3); c.2190CTT[1], p.Phe732del (NM_175629.2); c.2193_2195delCTT (NM_175629.2); c.1734CTT[1], p.Phe580del (NM_001320893.1); c.1521CTT[1], p.Phe509del (NM_001375819.1); short protein forms F509del, F543del, F580del, F732del.
Identifiers: ClinVar variation 2629187 (VCV002629187.4), dbSNP rs761103716, ClinGen allele CA1555710.
Genomic context (GRCh38, chr2:25,240,428, plus strand): 5'-GAAGAAGGGGCGATCATCTCCCTCCTTGGGCCGCGCATCATGCAGGAGGCGGTAGAACTC[AAAG>A]AAGAGCCGGCCAGTGCCCTCTGAGAGGTCGGAAGAGAAAGCCATCAGCTGGGGCTGTCTG-3'